The following is an entry in ClinVar:

NM_000059.4(BRCA2):c.8679G>T (p.Gln2893His)

Gene: BRCA2 (BRCA2 DNA repair associated; plus strand). Cytogenetic location: 13q13.1.
Variant type: single nucleotide variant.
Coding change: c.8679G>T on transcript NM_000059.4 (MANE Select); coding-DNA position 8679, G replaced by T.
Protein change: p.Gln2893His; replaces glutamine 2893 with histidine.
Molecular consequence: missense variant.
Genome position (GRCh38, 1-based): chr13:32,376,716, G>T. VCF-style: chr13-32376716-G-T. GRCh37 (hg19) VCF-style: chr13-32950853-G-T.
Other names: short protein forms Q2893H.
Identifiers: ClinVar variation 567757 (VCV000567757.13), dbSNP rs1566251407, ClinGen allele CA387754762.

ClinVar aggregate classification (germline): Conflicting classifications of pathogenicity. Review status: criteria provided, conflicting classifications (1 of 4 stars). 3 submissions from 3 submitters: Uncertain significance (2); Likely benign (1). Last evaluated 2025-05-15.

Conditions:
Hereditary cancer-predisposing syndrome. Also called: Neoplastic Syndromes, Hereditary; Tumor predisposition; Hereditary neoplastic syndrome; Hereditary Cancer Syndrome. Identifiers: Orphanet 140162, MedGen C0027672, MeSH D009386, MONDO:0015356.
Hereditary breast ovarian cancer syndrome. Also called: Hereditary breast and ovarian cancer syndrome (HBOC); Hereditary breast and ovarian cancer; Hereditary breast and/or ovarian cancer syndrome; Hereditary breast and ovarian cancer syndrome; Breast and ovarian cancer; BRCA1- and BRCA2-Associated Hereditary Breast and Ovarian Cancer. Identifiers: Orphanet 145, MedGen C0677776, MeSH D061325, MONDO:0003582. Disease mechanism: loss of function.

Submissions (3):

Ambry Genetics
Classification: Likely benign for Hereditary cancer-predisposing syndrome. Last evaluated: 2025-05-15. Review status: criteria provided, single submitter. Criteria: Ambry Variant Classification Scheme 2023. Collection method: clinical testing. Allele origin: germline.

Labcorp Genetics (formerly Invitae), Labcorp
Classification: Uncertain significance for Hereditary breast ovarian cancer syndrome. Last evaluated: 2018-04-24. Review status: criteria provided, single submitter. Criteria: Invitae Variant Classification Sherloc (09022015). Collection method: clinical testing. Allele origin: germline.
Comment: In summary, the available evidence is currently insufficient to determine the role of this variant in disease. Therefore, it has been classified as a Variant of Uncertain Significance. This variant has not been reported in the literature in individuals with BRCA2-related disease. This sequence change replaces glutamine with histidine at codon 2893 of the BRCA2 protein (p.Gln2893His). The glutamine residue is highly conserved and there is a small physicochemical difference between glutamine and histidine. This variant is not present in population databases (ExAC no frequency). Algorithms developed to predict the effect of missense changes on protein structure and function do not agree on the potential impact of this missense change (SIFT: "Deleterious"; PolyPhen-2: "Probably Damaging"; Align-GVGD: "Class C0").

Quest Diagnostics Nichols Institute San Juan Capistrano
Classification: Uncertain significance. Last evaluated: 2017-12-15. Review status: criteria provided, single submitter. Criteria: Quest Diagnostics criteria. Collection method: clinical testing. Allele origin: germline.